The following is an entry in ClinVar:

NM_001036.6(RYR3):c.251C>T (p.Ala84Val)

Gene: RYR3 (ryanodine receptor 3; plus strand). Cytogenetic location: 15q14.
Variant type: single nucleotide variant.
Coding change: c.251C>T on transcript NM_001036.6 (MANE Select); coding-DNA position 251, C replaced by T.
Protein change: p.Ala84Val; replaces alanine 84 with valine.
Molecular consequence: missense variant.
Genome position (GRCh38, 1-based): chr15:33,503,710, C>T. VCF-style: chr15-33503710-C-T. GRCh37 (hg19) VCF-style: chr15-33795911-C-T.
Other names: c.251C>T, p.Ala84Val (NM_001243996.4); short protein forms A84V.
Identifiers: ClinVar variation 946441 (VCV000946441.9), dbSNP rs2052208538, ClinGen allele CA391567537.

ClinVar aggregate classification (germline): Uncertain significance (1 of 4 stars; one submission).

Conditions:
Epileptic encephalopathy. Identifiers: MedGen C0543888, HP:0200134.

Allele frequency attached by ClinVar (database versions not stated): gnomAD exomes below 0.00001.
gnomAD v4.1: 1 of 1,612,310 alleles (0.000062%); highest among the groups gnomAD compares: Admixed American, 0.0017%; no homozygotes.

Submission:

Labcorp Genetics (formerly Invitae), Labcorp
Classification: Uncertain significance for Epileptic encephalopathy. Last evaluated: 2022-11-08. Review status: criteria provided, single submitter. Criteria: Invitae Variant Classification Sherloc (09022015). Collection method: clinical testing. Allele origin: germline.
Comment: This sequence change replaces alanine, which is neutral and non-polar, with valine, which is neutral and non-polar, at codon 84 of the RYR3 protein (p.Ala84Val). This variant is not present in population databases (gnomAD no frequency). This variant has not been reported in the literature in individuals affected with RYR3-related conditions. ClinVar contains an entry for this variant (Variation ID: 946441). Algorithms developed to predict the effect of missense changes on protein structure and function are either unavailable or do not agree on the potential impact of this missense change (SIFT: "Deleterious"; PolyPhen-2: "Benign"; Align-GVGD: "Class C0"). In summary, the available evidence is currently insufficient to determine the role of this variant in disease. Therefore, it has been classified as a Variant of Uncertain Significance.